The following is an entry in ClinVar:

ClinVar aggregate classification (germline): Uncertain significance. Review status: criteria provided, multiple submitters, no conflicts (2 of 4 stars). 2 submissions from 2 submitters: Uncertain significance (2). Last evaluated 2024-06-20.

Conditions:
Hyperaldosteronism, familial, type IV (HALD4). Also called: FH IV; ALDOSTERONISM, PRIMARY, AND HYPERTENSION. Identifiers: Orphanet 642671, MedGen C4310756, MONDO:0014875, OMIM 617027.
Idiopathic generalized epilepsy. Also called: Generalised epilepsy; EIG. Identifiers: MedGen C0270850, MONDO:0005579, OMIM 600669.
Epilepsy, childhood absence, susceptibility to, 6. Identifiers: Orphanet 64280, MedGen C2749872, MONDO:0012763, OMIM 611942.

Allele frequency attached by ClinVar (database versions not stated): gnomAD exomes 0.00001 and 0.00002; ExAC 0.00004.
gnomAD v4.1: 10 of 1,613,012 alleles (0.00062%); highest among the groups gnomAD compares: Admixed American, 0.0017%; no homozygotes.

Submissions (2):

Labcorp Genetics (formerly Invitae), Labcorp
Classification: Uncertain significance for Idiopathic generalized epilepsy; Hyperaldosteronism, familial, type IV. Last evaluated: 2024-06-20. Review status: criteria provided, single submitter. Criteria: Invitae Variant Classification Sherloc (09022015). Collection method: clinical testing. Allele origin: germline.
Comment: This sequence change replaces valine, which is neutral and non-polar, with methionine, which is neutral and non-polar, at codon 996 of the CACNA1H protein (p.Val996Met). This variant is present in population databases (rs769872866, gnomAD 0.004%). This variant has not been reported in the literature in individuals affected with CACNA1H-related conditions. ClinVar contains an entry for this variant (Variation ID: 1401349). Advanced modeling of protein sequence and biophysical properties (such as structural, functional, and spatial information, amino acid conservation, physicochemical variation, residue mobility, and thermodynamic stability) performed at Invitae indicates that this missense variant is expected to disrupt CACNA1H protein function with a positive predictive value of 80%. In summary, the available evidence is currently insufficient to determine the role of this variant in disease. Therefore, it has been classified as a Variant of Uncertain Significance.

Fulgent Genetics
Classification: Uncertain significance for Epilepsy, childhood absence, susceptibility to, 6; Hyperaldosteronism, familial, type IV. Last evaluated: 2024-05-21. Review status: criteria provided, single submitter. Criteria: ACMG Guidelines, 2015. Collection method: clinical testing. Allele origin: germline.

NM_021098.3(CACNA1H):c.2986G>A (p.Val996Met)

Gene: CACNA1H (calcium voltage-gated channel subunit alpha1 H; plus strand). Cytogenetic location: 16p13.3.
Variant type: single nucleotide variant.
Coding change: c.2986G>A on transcript NM_021098.3 (MANE Select); coding-DNA position 2986, G replaced by A.
Protein change: p.Val996Met; replaces valine 996 with methionine.
Molecular consequence: missense variant.
Genome position (GRCh38, 1-based): chr16:1,207,353, G>A. VCF-style: chr16-1207353-G-A. GRCh37 (hg19) VCF-style: chr16-1257353-G-A.
Other names: c.2986G>A, p.Val996Met (NM_001005407.2); short protein forms V996M.
Identifiers: ClinVar variation 1401349 (VCV001401349.9), dbSNP rs769872866, ClinGen allele CA7800538.